The following is an entry in ClinVar:

ClinVar aggregate classification (germline): Conflicting classifications of pathogenicity. Review status: criteria provided, conflicting classifications (1 of 4 stars). 4 submissions from 4 submitters: Uncertain significance (1); Likely benign (2). 1 of the submissions does not count toward it. Last evaluated 2026-01-17.

Conditions:
LTBP4-related disorder. Also called: LTBP4-related condition.

Allele frequency attached by ClinVar (database versions not stated): gnomAD exomes 0.00010 and 0.00033; gnomAD 0.00011 and 0.00013; TOPMed 0.00021; ExAC 0.00038; 1000 Genomes Project 0.00060; 1000 Genomes Project 30x 0.00062.
gnomAD v4.1: 174 of 1,612,950 alleles (0.011%); highest among the groups gnomAD compares: East Asian, 0.32%; no homozygotes.

Submissions (4):

Labcorp Genetics (formerly Invitae), Labcorp
Classification: Likely benign. Last evaluated: 2026-01-17. Review status: criteria provided, single submitter. Criteria: Invitae Variant Classification Sherloc (09022015). Collection method: clinical testing. Allele origin: germline.

CeGaT Center for Human Genetics Tuebingen
Classification: Uncertain significance. Last evaluated: 2024-10-01. Review status: criteria provided, single submitter. Criteria: CeGaT Center For Human Genetics Tuebingen Variant Classification Criteria Version 2. Collection method: clinical testing. Allele origin: germline. Affected: yes. Observed: 1 variant allele.

GeneDx
Classification: Likely benign. Last evaluated: 2020-09-17. Review status: criteria provided, single submitter. Criteria: GeneDx Variant Classification Process June 2021. Collection method: clinical testing. Allele origin: germline. Affected: yes.

PreventionGenetics, part of Exact Sciences
Classification: Likely benign for LTBP4-related condition. Last evaluated: 2024-06-21. Review status: no assertion criteria provided. Collection method: clinical testing. Allele origin: germline. Not counted in ClinVar's aggregate classification.
Comment: This variant is classified as likely benign based on ACMG/AMP sequence variant interpretation guidelines (Richards et al. 2015 PMID: 25741868, with internal and published modifications).

NM_001042545.2(LTBP4):c.3559G>A (p.Val1187Met)

Gene: LTBP4 (latent transforming growth factor beta binding protein 4; plus strand). Cytogenetic location: 19q13.2.
Variant type: single nucleotide variant.
Coding change: c.3559G>A on transcript NM_001042545.2 (MANE Select); coding-DNA position 3559, G replaced by A.
Protein change: p.Val1187Met; replaces valine 1187 with methionine.
Molecular consequence: missense variant.
Genome position (GRCh38, 1-based): chr19:40,623,606, G>A. VCF-style: chr19-40623606-G-A. GRCh37 (hg19) VCF-style: chr19-41129511-G-A.
Other names: c.3760G>A, p.Val1254Met (NM_001042544.1); c.3649G>A, p.Val1217Met (NM_003573.2); short protein forms V1187M, V1217M, V1254M.
Identifiers: ClinVar variation 1200365 (VCV001200365.26), dbSNP rs187093021, ClinGen allele CA9449055.